The following is an entry in ClinVar:

NM_007294.4(BRCA1):c.5291T>A (p.Leu1764Gln)

Gene: BRCA1 (BRCA1 DNA repair associated; minus strand). Cytogenetic location: 17q21.31.
Variant type: single nucleotide variant.
Coding change: c.5291T>A on transcript NM_007294.4 (MANE Select); coding-DNA position 5291, T replaced by A.
Protein change: p.Leu1764Gln; replaces leucine 1764 with glutamine.
Molecular consequence: missense variant. On other transcripts: non-coding transcript variant (1).
Genome position (GRCh38, 1-based): chr17:43,051,104, A>T on the plus strand (T>A on the coding strand, the complement: BRCA1 is on the minus strand). VCF-style: chr17-43051104-A-T. GRCh37 (hg19) VCF-style: chr17-41203121-A-T.
Other names: c.5078T>A, p.Leu1693Gln (NM_001407571.1, NM_001407899.1, NM_001407900.1 and 12 more transcripts); c.5357T>A, p.Leu1786Gln (NM_001407581.1, NM_001407582.1); c.5354T>A, p.Leu1785Gln (NM_001407583.1, NM_001407585.1, NM_001407587.1 and 1 more transcripts); c.5351T>A, p.Leu1784Gln (NM_001407590.1, NM_001407591.1); c.5291T>A, p.Leu1764Gln (NM_001407593.1, NM_001407594.1, NM_001407596.1 and 6 more transcripts); c.5288T>A, p.Leu1763Gln (NM_001407610.1, NM_001407611.1, NM_001407612.1 and 17 more transcripts); c.5285T>A, p.Leu1762Gln (NM_001407627.1, NM_001407628.1, NM_001407629.1 and 14 more transcripts); c.5276T>A, p.Leu1759Gln (NM_001407647.1); and 72 more; short protein forms L1764Q, L1717Q, L1785Q, L660Q, L1610Q, L1635Q, L1651Q, L1652Q.
Identifiers: ClinVar variation 868290 (VCV000868290.3), dbSNP rs80357281, ClinGen allele CA10590966.

Conditions:
Breast-ovarian cancer, familial, susceptibility to, 1 (BROVCA1). Also called: BRCA1 Hereditary Breast and Ovarian Cancer; OVARIAN CANCER, SUSCEPTIBILITY TO. Identifiers: Orphanet 145, MedGen C2676676, MONDO:0011450, OMIM 604370. Disease mechanism: loss of function.

Submission:

Brotman Baty Institute, University of Washington
No classification provided (evidence only). Condition: Breast-ovarian cancer, familial 1. Review status: no classification provided. Collection method: in vitro. Allele origin: not applicable. Functional consequence: functionally_abnormal.
ClinVar note: "not provided" was previously submitted as the classification for the variant. However, the classification appeared to be based only on an observation of functional data so it was converted to no classification on 2025-07-30.